The following is an entry in ClinVar:

NM_002439.5(MSH3):c.2068A>G (p.Asn690Asp)

Gene: MSH3 (mutS homolog 3; plus strand). Cytogenetic location: 5q14.1.
Variant type: single nucleotide variant.
Coding change: c.2068A>G on transcript NM_002439.5 (MANE Select); coding-DNA position 2068, A replaced by G.
Protein change: p.Asn690Asp; replaces asparagine 690 with aspartic acid.
Molecular consequence: missense variant.
Genome position (GRCh38, 1-based): chr5:80,768,104, A>G. VCF-style: chr5-80768104-A-G. GRCh37 (hg19) VCF-style: chr5-80063923-A-G.
Other names: c.2068A>G (NM_002439.3); short protein forms N690D.
Identifiers: ClinVar variation 1975507 (VCV001975507.6), dbSNP rs1561471344, ClinGen allele CA360277954.

ClinVar aggregate classification (germline): Uncertain significance. Review status: criteria provided, multiple submitters, no conflicts (2 of 4 stars). 2 submissions from 2 submitters: Uncertain significance (2). Last evaluated 2025-10-26.

Conditions:
Hereditary cancer-predisposing syndrome. Also called: Hereditary Cancer Syndrome; Neoplastic Syndromes, Hereditary; Tumor predisposition; Hereditary neoplastic syndrome. Identifiers: Orphanet 140162, MedGen C0027672, MeSH D009386, MONDO:0015356.

Submissions (2):

Ambry Genetics
Classification: Uncertain significance for Hereditary cancer-predisposing syndrome. Last evaluated: 2025-10-26. Review status: criteria provided, single submitter. Criteria: Ambry Variant Classification Scheme 2023. Collection method: clinical testing. Allele origin: germline.
Comment: The p.N690D variant (also known as c.2068A>G), located in coding exon 14 of the MSH3 gene, results from an A to G substitution at nucleotide position 2068. The asparagine at codon 690 is replaced by aspartic acid, an amino acid with highly similar properties. This amino acid position is conserved. In addition, this alteration is predicted to be tolerated by in silico analysis. Based on the available evidence, the clinical significance of this variant remains unclear.

Labcorp Genetics (formerly Invitae), Labcorp
Classification: Uncertain significance. Last evaluated: 2024-12-11. Review status: criteria provided, single submitter. Criteria: Invitae Variant Classification Sherloc (09022015). Collection method: clinical testing. Allele origin: germline.
Comment: This sequence change replaces asparagine, which is neutral and polar, with aspartic acid, which is acidic and polar, at codon 690 of the MSH3 protein (p.Asn690Asp). This variant is not present in population databases (gnomAD no frequency). This variant has not been reported in the literature in individuals affected with MSH3-related conditions. ClinVar contains an entry for this variant (Variation ID: 1975507). An algorithm developed to predict the effect of missense changes on protein structure and function (PolyPhen-2) suggests that this variant is likely to be tolerated. In summary, the available evidence is currently insufficient to determine the role of this variant in disease. Therefore, it has been classified as a Variant of Uncertain Significance.